The following is an entry in ClinVar:

ClinVar aggregate classification (germline): Likely benign. Review status: criteria provided, multiple submitters, no conflicts (2 of 4 stars). 2 submissions from 2 submitters: Likely benign (2). Last evaluated 2025-01-22.

Conditions:
Familial cancer of breast. Also called: Hereditary breast cancer; BREAST CANCER, FAMILIAL; hereditary breast carcinoma. Identifiers: Orphanet 227535, MedGen C0346153, MONDO:0016419, OMIM 114480. Disease mechanism: loss of function.

Submissions (2):

Myriad Genetics, Inc.
Classification: Likely benign for Familial cancer of breast. Last evaluated: 2025-01-22. Review status: criteria provided, single submitter. Criteria: Myriad Autosomal Dominant, Autosomal Recessive and X-Linked Classification Criteria (2023). Collection method: clinical testing. Allele origin: unknown.
Comment: This variant is considered likely benign. This variant is intronic and is not expected to impact mRNA splicing.

Labcorp Genetics (formerly Invitae), Labcorp
Classification: Likely benign for Familial cancer of breast. Last evaluated: 2024-11-18. Review status: criteria provided, single submitter. Criteria: Invitae Variant Classification Sherloc (09022015). Collection method: clinical testing. Allele origin: germline.

NM_024675.4(PALB2):c.3351-16C>T

Gene: PALB2 (partner and localizer of BRCA2; minus strand). Cytogenetic location: 16p12.2.
Variant type: single nucleotide variant.
Coding change: c.3351-16C>T on transcript NM_024675.4 (MANE Select); 16 bases into the intron before coding-DNA position 3351, C replaced by T.
Molecular consequence: intron variant.
Genome position (GRCh38, 1-based): chr16:23,603,685, G>A on the plus strand (C>T on the coding strand, the complement: PALB2 is on the minus strand). VCF-style: chr16-23603685-G-A. GRCh37 (hg19) VCF-style: chr16-23615006-G-A.
Other names: c.2229-16C>T (NM_001407308.1, NM_001407309.1); c.2466-16C>T (NM_001407306.1, NM_001407305.1, NM_001407304.1); c.885-16C>T (NM_001407314.1); c.1414-16C>T (NM_001407313.1); c.1563-16C>T (NM_001407312.1); c.3291-16C>T (NM_001407296.1); c.3279-16C>T (NM_001407297.1); c.3040-16C>T (NM_001407302.1); and 6 more.
Identifiers: ClinVar variation 2718269 (VCV002718269.4), dbSNP rs1424095743, ClinGen allele CA719217782.